The following is an entry in ClinVar:

ClinVar aggregate classification (germline): Uncertain significance. Review status: criteria provided, multiple submitters, no conflicts (2 of 4 stars). 2 submissions from 2 submitters: Uncertain significance (2). Last evaluated 2024-09-06.

gnomAD v4.1: 10 of 1,613,982 alleles (0.00062%); highest among the groups gnomAD compares: Non-Finnish European, 0.00085%; no homozygotes.

Submissions (2):

Labcorp Genetics (formerly Invitae), Labcorp
Classification: Uncertain significance. Last evaluated: 2024-09-06. Review status: criteria provided, single submitter. Criteria: Invitae Variant Classification Sherloc (09022015). Collection method: clinical testing. Allele origin: germline.
Comment: This sequence change replaces threonine, which is neutral and polar, with lysine, which is basic and polar, at codon 4918 of the USH2A protein (p.Thr4918Lys). This variant is present in population databases (rs56136489, gnomAD 0.003%). This variant has not been reported in the literature in individuals affected with USH2A-related conditions. ClinVar contains an entry for this variant (Variation ID: 1518454). Invitae Evidence Modeling of protein sequence and biophysical properties (such as structural, functional, and spatial information, amino acid conservation, physicochemical variation, residue mobility, and thermodynamic stability) indicates that this missense variant is not expected to disrupt USH2A protein function with a negative predictive value of 95%. In summary, the available evidence is currently insufficient to determine the role of this variant in disease. Therefore, it has been classified as a Variant of Uncertain Significance.

Blueprint Genetics
Classification: Uncertain significance. Last evaluated: 2024-07-16. Review status: criteria provided, single submitter. Criteria: ACMG Guidelines, 2015. Collection method: clinical testing. Allele origin: germline.

NM_206933.4(USH2A):c.14753C>A (p.Thr4918Lys)

Gene: USH2A (usherin; minus strand). Cytogenetic location: 1q41.
Variant type: single nucleotide variant.
Coding change: c.14753C>A on transcript NM_206933.4 (MANE Select); coding-DNA position 14753, C replaced by A.
Protein change: p.Thr4918Lys; replaces threonine 4918 with lysine.
Molecular consequence: missense variant.
Genome position (GRCh38, 1-based): chr1:215,647,560, G>T on the plus strand (C>A on the coding strand, the complement: USH2A is on the minus strand). VCF-style: chr1-215647560-G-T. GRCh37 (hg19) VCF-style: chr1-215820902-G-T.
Other names: short protein forms T4918K.
Identifiers: ClinVar variation 1518454 (VCV001518454.6), dbSNP rs56136489, ClinGen allele CA1392940.